The following is an entry in ClinVar:

NM_001253697.2(ERBIN):c.3389G>A (p.Arg1130Gln)

Gene: ERBIN (erbb2 interacting protein; plus strand). Cytogenetic location: 5q12.3.
Variant type: single nucleotide variant.
Coding change: c.3389G>A on transcript NM_001253697.2 (MANE Select); coding-DNA position 3389, G replaced by A.
Protein change: p.Arg1130Gln; replaces arginine 1130 with glutamine.
Molecular consequence: missense variant.
Genome position (GRCh38, 1-based): chr5:66,054,707, G>A. VCF-style: chr5-66054707-G-A. GRCh37 (hg19) VCF-style: chr5-65350535-G-A.
Other names: c.3389G>A, p.Arg1130Gln (NM_001006600.3, NM_001253698.2, NM_001253699.2 and 1 more transcripts); c.3377G>A, p.Arg1126Gln (NM_001253701.2); short protein forms R1130Q, R1126Q.
Identifiers: ClinVar variation 1438598 (VCV001438598.8), dbSNP rs144581883, ClinGen allele CA3286652.

ClinVar aggregate classification (germline): Uncertain significance (1 of 4 stars; one submission).

Allele frequency attached by ClinVar (database versions not stated): ESP Exome Variant Server 0.00008.
gnomAD v4.1: 23 of 1,613,926 alleles (0.0014%); highest among the groups gnomAD compares: Admixed American, 0.0033%; no homozygotes.

Submission:

Labcorp Genetics (formerly Invitae), Labcorp
Classification: Uncertain significance. Last evaluated: 2024-02-19. Review status: criteria provided, single submitter. Criteria: Invitae Variant Classification Sherloc (09022015). Collection method: clinical testing. Allele origin: germline.
Comment: This sequence change replaces arginine, which is basic and polar, with glutamine, which is neutral and polar, at codon 1130 of the ERBIN protein (p.Arg1130Gln). This variant is present in population databases (rs144581883, gnomAD 0.006%). This variant has not been reported in the literature in individuals affected with ERBIN-related conditions. ClinVar contains an entry for this variant (Variation ID: 1438598). An algorithm developed to predict the effect of missense changes on protein structure and function (PolyPhen-2) suggests that this variant is likely to be disruptive. In summary, the available evidence is currently insufficient to determine the role of this variant in disease. Therefore, it has been classified as a Variant of Uncertain Significance.